The following is an entry in ClinVar:

ClinVar aggregate classification (germline): Uncertain significance (1 of 4 stars; one submission).

Conditions:
Severe combined immunodeficiency due to DNA-PKcs deficiency. Also called: IMMUNODEFICIENCY 26 WITH NEUROLOGIC ABNORMALITIES; Immunodeficiency 26 with or without neurologic abnormalities. Identifiers: Orphanet 317425, MedGen C4014833, MONDO:0014423, OMIM 615966.

Allele frequency attached by ClinVar (database versions not stated): gnomAD exomes below 0.00001 and 0.00001; ExAC 0.00003.
gnomAD v4.1: 3 of 1,605,834 alleles (0.00019%); highest among the groups gnomAD compares: Admixed American, 0.0034%; no homozygotes.

Submission:

Labcorp Genetics (formerly Invitae), Labcorp
Classification: Uncertain significance for Severe combined immunodeficiency due to DNA-PKcs deficiency. Last evaluated: 2022-09-07. Review status: criteria provided, single submitter. Criteria: Invitae Variant Classification Sherloc (09022015). Collection method: clinical testing. Allele origin: germline.
Comment: This sequence change falls in intron 74 of the PRKDC gene. It does not directly change the encoded amino acid sequence of the PRKDC protein. It affects a nucleotide within the consensus splice site. This variant is present in population databases (rs762657636, gnomAD 0.006%). This variant has not been reported in the literature in individuals affected with PRKDC-related conditions. ClinVar contains an entry for this variant (Variation ID: 1494084). Variants that disrupt the consensus splice site are a relatively common cause of aberrant splicing (PMID: 17576681, 9536098). Experimental studies and prediction algorithms are not available or were not evaluated, and the effect of this variant on mRNA splicing is currently unknown. In summary, the available evidence is currently insufficient to determine the role of this variant in disease. Therefore, it has been classified as a Variant of Uncertain Significance.

Literature cited by the submitters: PubMed 17576681; PubMed 9536098.

NM_006904.7(PRKDC):c.10670+3A>G

Gene: PRKDC (protein kinase, DNA-activated, catalytic subunit; minus strand). Cytogenetic location: 8q11.21.
Variant type: single nucleotide variant.
Coding change: c.10670+3A>G on transcript NM_006904.7 (MANE Select); 3 bases into the intron after coding-DNA position 10670, A replaced by G.
Molecular consequence: intron variant.
Genome position (GRCh38, 1-based): chr8:47,794,287, T>C on the plus strand (A>G on the coding strand, the complement: PRKDC is on the minus strand). VCF-style: chr8-47794287-T-C. GRCh37 (hg19) VCF-style: chr8-48706848-T-C.
Other names: c.10670+3A>G (NM_001081640.2).
Identifiers: ClinVar variation 1494084 (VCV001494084.6), dbSNP rs762657636, ClinGen allele CA4739284.
Genomic context (GRCh38, chr8:47,794,287, plus strand): 5'-TTTAACCACATTTTTATAACCTATAGTATTTGATCAACCTATTCCTTCTGTAATATTACC[T>C]ACCTTGCCACAAACTCCTTATTCTTATGACCAGTAGAAGTATCCTTGAAGGAATAGCTTT-3'